The following is an entry in ClinVar:

NM_020738.4(KIDINS220):c.1309A>T (p.Met437Leu)

Gene: KIDINS220 (kinase D interacting substrate 220; minus strand). Cytogenetic location: 2p25.1.
Variant type: single nucleotide variant.
Coding change: c.1309A>T on transcript NM_020738.4 (MANE Select); coding-DNA position 1309, A replaced by T.
Protein change: p.Met437Leu; replaces methionine 437 with leucine.
Molecular consequence: missense variant. On other transcripts: non-coding transcript variant (2).
Genome position (GRCh38, 1-based): chr2:8,791,192, T>A on the plus strand (A>T on the coding strand, the complement: KIDINS220 is on the minus strand). VCF-style: chr2-8791192-T-A. GRCh37 (hg19) VCF-style: chr2-8931322-T-A.
Other names: c.1309A>T, p.Met437Leu (NM_001348738.2, NM_001348741.2, NM_001348742.2 and 3 more transcripts); c.1312A>T, p.Met438Leu (NM_001348739.2, NM_001348740.2, NM_001348745.2 and 3 more transcripts); c.1183A>T, p.Met395Leu (NM_001348736.2); short protein forms M395L, M437L, M438L.
Identifiers: ClinVar variation 3778397 (VCV003778397.7).
Genomic context (GRCh38, chr2:8,791,192, plus strand): 5'-GCATGGTAGGCTCACTGAGAATATCTGCCAGGGCACTGCTATATAAATCATATCCAAGCA[T>A]GTCACCGTCTGTTTCAGTAGGAGACAAGTGTCCTGTAATTAAAACACATCATATCTTACA-3'
Protein context (NP_065789.1, residues 427-447): HLSPTETDGD[Met437Leu]LGYDLYSSAL

ClinVar aggregate classification (germline): Uncertain significance (1 of 4 stars; one submission).

gnomAD v4.1: 1 of 1,613,958 alleles (0.000062%); highest among the groups gnomAD compares: Non-Finnish European, 0.000085%; no homozygotes.

Submission:

CeGaT Center for Human Genetics Tuebingen
Classification: Uncertain significance. Last evaluated: 2025-02-01. Review status: criteria provided, single submitter. Criteria: CeGaT Center For Human Genetics Tuebingen Variant Classification Criteria Version 2. Collection method: clinical testing. Allele origin: germline. Affected: yes. Observed: 1 variant allele.
Comment: KIDINS220: PM2, PP2